The following is an entry in ClinVar:

ClinVar aggregate classification (germline): Uncertain significance (1 of 4 stars; one submission).

gnomAD v4.1: 6 of 1,612,528 alleles (0.00037%); highest among the groups gnomAD compares: East Asian, 0.013%; no homozygotes.

Submission:

GeneDx
Classification: Uncertain significance. Last evaluated: 2023-07-10. Review status: criteria provided, single submitter. Criteria: GeneDx Variant Classification Process June 2021. Collection method: clinical testing. Allele origin: germline. Affected: yes.
Comment: Not observed at significant frequency in large population cohorts (gnomAD); Missense variant in a gene in which most reported pathogenic variants are truncating/loss of function; Has not been previously published as pathogenic or benign to our knowledge

NM_001267550.2(TTN):c.45208A>G (p.Ile15070Val)

Genes: TTN (titin; minus strand), LOC126806427 (BRD4-independent group 4 enhancer GRCh37_chr2:179485777-179486976; plus strand). Cytogenetic location: 2q31.2.
Variant type: single nucleotide variant.
Coding change: c.45208A>G on transcript NM_001267550.2 (MANE Select); coding-DNA position 45208, A replaced by G.
Protein change: p.Ile15070Val; replaces isoleucine 15070 with valine.
Molecular consequence: missense variant.
Genome position (GRCh38, 1-based): chr2:178,621,616, T>C on the plus strand (A>G on the coding strand, the complement: TTN is on the minus strand). VCF-style: chr2-178621616-T-C. GRCh37 (hg19) VCF-style: chr2-179486343-T-C.
Other names: c.40285A>G, p.Ile13429Val (NM_001256850.1); c.18013A>G, p.Ile6005Val (NM_003319.4); c.37504A>G, p.Ile12502Val (NM_133378.4); c.18388A>G, p.Ile6130Val (NM_133432.3); c.18589A>G, p.Ile6197Val (NM_133437.4); short protein forms I12502V, I13429V, I15070V, I6005V, I6130V, I6197V.
Identifiers: ClinVar variation 3360627 (VCV003360627.1).